The following is an entry in ClinVar:

ClinVar aggregate classification (germline): Conflicting classifications of pathogenicity. Review status: criteria provided, conflicting classifications (1 of 4 stars). 3 submissions from 3 submitters: Uncertain significance (2); Likely benign (1). Last evaluated 2025-05-25.

Conditions:
Intellectual disability, autosomal dominant 16 (CSS4). Also called: COFFIN-SIRIS SYNDROME 4. Identifiers: Orphanet 1465, MedGen C3553249, MONDO:0013821, OMIM 614609.
Hereditary cancer-predisposing syndrome. Also called: Hereditary neoplastic syndrome; Neoplastic Syndromes, Hereditary; Tumor predisposition; Hereditary Cancer Syndrome. Identifiers: Orphanet 140162, MedGen C0027672, MeSH D009386, MONDO:0015356.
Rhabdoid tumor predisposition syndrome 2 (RTPS2). Identifiers: Orphanet 231108, Orphanet 69077, MedGen C2750074, MONDO:0013224, OMIM 613325.

Allele frequency attached by ClinVar (database versions not stated): gnomAD exomes below 0.00001; gnomAD 0.00001.
gnomAD v4.1: 8 of 1,614,044 alleles (0.0005%); highest among the groups gnomAD compares: Non-Finnish European, 0.00068%; no homozygotes.

Submissions (3):

Labcorp Genetics (formerly Invitae), Labcorp
Classification: Uncertain significance for Rhabdoid tumor predisposition syndrome 2. Last evaluated: 2025-05-25. Review status: criteria provided, single submitter. Criteria: Invitae Variant Classification Sherloc (09022015). Collection method: clinical testing. Allele origin: germline.
Comment: This sequence change replaces threonine, which is neutral and polar, with isoleucine, which is neutral and non-polar, at codon 629 of the SMARCA4 protein (p.Thr629Ile). This variant is not present in population databases (gnomAD no frequency). This variant has not been reported in the literature in individuals affected with SMARCA4-related conditions. ClinVar contains an entry for this variant (Variation ID: 470266). Invitae Evidence Modeling of protein sequence and biophysical properties (such as structural, functional, and spatial information, amino acid conservation, physicochemical variation, residue mobility, and thermodynamic stability) indicates that this missense variant is not expected to disrupt SMARCA4 protein function with a negative predictive value of 95%. In summary, the available evidence is currently insufficient to determine the role of this variant in disease. Therefore, it has been classified as a Variant of Uncertain Significance.

Ambry Genetics
Classification: Likely benign for Hereditary cancer-predisposing syndrome. Last evaluated: 2021-11-24. Review status: criteria provided, single submitter. Criteria: Ambry Variant Classification Scheme 2023. Collection method: clinical testing. Allele origin: germline.

Genome-Nilou Lab
Classification: Uncertain significance for Intellectual disability, autosomal dominant 16. Last evaluated: 2021-07-15. Review status: criteria provided, single submitter. Criteria: ACMG Guidelines, 2015. Collection method: clinical testing. Allele origin: germline. Affected: no.

NM_003072.5(SMARCA4):c.1886C>T (p.Thr629Ile)

Gene: SMARCA4 (SWI/SNF related BAF chromatin remodeling complex subunit ATPase 4; plus strand). Cytogenetic location: 19p13.2.
Variant type: single nucleotide variant.
Coding change: c.1886C>T on transcript NM_003072.5 (MANE Select); coding-DNA position 1886, C replaced by T.
Protein change: p.Thr629Ile; replaces threonine 629 with isoleucine.
Molecular consequence: missense variant. On other transcripts: non-coding transcript variant (1).
Genome position (GRCh38, 1-based): chr19:11,003,102, C>T. VCF-style: chr19-11003102-C-T. GRCh37 (hg19) VCF-style: chr19-11113778-C-T.
Other names: c.1886C>T, p.Thr629Ile (NM_001128844.3, NM_001128845.2, NM_001128846.2 and 5 more transcripts); short protein forms T629I.
Identifiers: ClinVar variation 470266 (VCV000470266.16), dbSNP rs947818318, ClinGen allele CA305256305.
Genomic context (GRCh38, chr19:11,003,102, plus strand): 5'-CCAGCCAGATGAGCGACCTCCCGGTGAAGGTGATCCACGTGGAGAGTGGGAAGATCCTCA[C>T]AGGCACAGATGCCCCCAAAGCCGGGCAGCTGGAGGCCTGGCTCGAGATGAACCCGGGGTG-3'
Protein context (NP_003063.2, residues 619-639): VIHVESGKIL[Thr629Ile]GTDAPKAGQL